The following is an entry in ClinVar:

ClinVar aggregate classification (germline): Uncertain significance. Review status: criteria provided, multiple submitters, no conflicts (2 of 4 stars). 2 submissions from 2 submitters: Uncertain significance (2). Last evaluated 2025-04-01.

Conditions:
Fanconi anemia (FA). Also called: Fanconi's anemia. Identifiers: Orphanet 84, MedGen C0015625, MeSH D005199, MONDO:0019391.
Inborn genetic diseases. Identifiers: MedGen C0950123, MeSH D030342.

gnomAD v4.1: 1 of 1,614,170 alleles (0.000062%); highest among the groups gnomAD compares: Admixed American, 0.0017%; no homozygotes.

Submissions (2):

Ambry Genetics
Classification: Uncertain significance for Inborn genetic diseases. Last evaluated: 2025-04-01. Review status: criteria provided, single submitter. Criteria: Ambry Variant Classification Scheme 2023. Collection method: clinical testing. Allele origin: germline.
Comment: The p.L1143R variant (also known as c.3428T>G), located in coding exon 35 of the FANCA gene, results from a T to G substitution at nucleotide position 3428. The leucine at codon 1143 is replaced by arginine, an amino acid with dissimilar properties. This amino acid position is conserved. In addition, the in silico prediction for this alteration is inconclusive. Based on the available evidence, the clinical significance of this variant remains unclear.

Labcorp Genetics (formerly Invitae), Labcorp
Classification: Uncertain significance for Fanconi anemia. Last evaluated: 2018-04-10. Review status: criteria provided, single submitter. Criteria: Invitae Variant Classification Sherloc (09022015). Collection method: clinical testing. Allele origin: germline.
Comment: This variant has not been reported in the literature in individuals with FANCA-related disease. In summary, the available evidence is currently insufficient to determine the role of this variant in disease. Therefore, it has been classified as a Variant of Uncertain Significance. Algorithms developed to predict the effect of missense changes on protein structure and function do not agree on the potential impact of this missense change (SIFT: "Tolerated"; PolyPhen-2: "Possibly Damaging"; Align-GVGD: "Class C0"). This variant is not present in population databases (ExAC no frequency). This sequence change replaces leucine with arginine at codon 1143 of the FANCA protein (p.Leu1143Arg). The leucine residue is moderately conserved and there is a moderate physicochemical difference between leucine and arginine.

NM_000135.4(FANCA):c.3428T>G (p.Leu1143Arg)

Gene: FANCA (FA complementation group A; minus strand). Cytogenetic location: 16q24.3.
Variant type: single nucleotide variant.
Coding change: c.3428T>G on transcript NM_000135.4 (MANE Select); coding-DNA position 3428, T replaced by G.
Protein change: p.Leu1143Arg; replaces leucine 1143 with arginine.
Molecular consequence: missense variant.
Genome position (GRCh38, 1-based): chr16:89,746,669, A>C on the plus strand (T>G on the coding strand, the complement: FANCA is on the minus strand). VCF-style: chr16-89746669-A-C. GRCh37 (hg19) VCF-style: chr16-89813077-A-C.
Other names: c.3428T>G (LRG_495t1); c.3428T>G, p.Leu1143Arg (NM_001286167.3); short protein forms L1143R.
Identifiers: ClinVar variation 576423 (VCV000576423.8), dbSNP rs1188842855, ClinGen allele CA397485989.